The following is an entry in ClinVar:

ClinVar aggregate classification (germline): Benign/Likely benign. Review status: criteria provided, multiple submitters, no conflicts (2 of 4 stars). 2 submissions from 2 submitters: Benign (1); Likely benign (1). Last evaluated 2025-10-15.

Allele frequency attached by ClinVar (database versions not stated): ExAC 0.00008; gnomAD exomes 0.00008 and 0.00014; gnomAD 0.00010 and 0.00012; TOPMed 0.00011; ESP Exome Variant Server 0.00038.
gnomAD v4.1: 167 of 1,191,968 alleles (0.014%); highest among the groups gnomAD compares: Non-Finnish European, 0.017%; no homozygotes.

Submissions (2):

Labcorp Genetics (formerly Invitae), Labcorp
Classification: Benign. Last evaluated: 2025-10-15. Review status: criteria provided, single submitter. Criteria: Invitae Variant Classification Sherloc (09022015). Collection method: clinical testing. Allele origin: germline.

GeneDx
Classification: Likely benign. Last evaluated: 2016-09-01. Review status: criteria provided, single submitter. Criteria: GeneDx Variant Classification (06012015). Collection method: clinical testing. Allele origin: germline. Affected: yes.
Comment: This variant is considered likely benign or benign based on one or more of the following criteria: it is a conservative change, it occurs at a poorly conserved position in the protein, it is predicted to be benign by multiple in silico algorithms, and/or has population frequency not consistent with disease.

NM_002547.3(OPHN1):c.312+13C>T

Gene: OPHN1 (oligophrenin 1; minus strand). Cytogenetic location: Xq12.
Variant type: single nucleotide variant.
Coding change: c.312+13C>T on transcript NM_002547.3 (MANE Select); 13 bases into the intron after coding-DNA position 312, C replaced by T.
Molecular consequence: intron variant.
Genome position (GRCh38, 1-based): chrX:68,283,043, G>A on the plus strand (C>T on the coding strand, the complement: OPHN1 is on the minus strand). VCF-style: chrX-68283043-G-A. GRCh37 (hg19) VCF-style: chrX-67502885-G-A.
Identifiers: ClinVar variation 389000 (VCV000389000.5), dbSNP rs374643845, ClinGen allele CA10437155.
Genomic context (GRCh38, chrX:68,283,043, plus strand): 5'-CAAGCATAAAGGAAAGGAAAAATCCCCTATATCACCCATGAACTCAGCTTCAGTGACAGC[G>A]TTAGTGACTTACCATCATCATCCTCTCATTTTCTACCTCGTTGAGCAATTCAGCAAATTC-3'